The following is an entry in ClinVar:

NM_000368.5(TSC1):c.1438+5T>C

Gene: TSC1 (TSC complex subunit 1; minus strand). Cytogenetic location: 9q34.13.
Variant type: single nucleotide variant.
Coding change: c.1438+5T>C on transcript NM_000368.5 (MANE Select); 5 bases into the intron after coding-DNA position 1438, T replaced by C.
Molecular consequence: intron variant.
Genome position (GRCh38, 1-based): chr9:132,906,726, A>G on the plus strand (T>C on the coding strand, the complement: TSC1 is on the minus strand). VCF-style: chr9-132906726-A-G. GRCh37 (hg19) VCF-style: chr9-135782113-A-G.
Other names: c.1075+5T>C (NM_001362177.2); c.1285+5T>C (NM_001162427.2); c.1435+5T>C (NM_001162426.2).
Identifiers: ClinVar variation 411264 (VCV000411264.12), dbSNP rs1060503215, ClinGen allele CA16612637.
Genomic context (GRCh38, chr9:132,906,726, plus strand): 5'-ATCCCAGATTTATAGCAGAGCGAGGGTCAGGTTTTATCAACTCATAGCAATCCCACATAC[A>G]TTACCTTCTTCTTTATCTTTTTCAATACTATCTTCTTCAGAGGCCAGATCACCTAAAAAC-3'

ClinVar aggregate classification (germline): Conflicting classifications of pathogenicity. Review status: criteria provided, conflicting classifications (1 of 4 stars). 2 submissions from 2 submitters: Uncertain significance (1); Likely benign (1). Last evaluated 2026-02-11.

Conditions:
Tuberous sclerosis 1 (TSC1). Identifiers: Orphanet 805, MedGen C1854465, MONDO:0008612, OMIM 191100.
Hereditary cancer-predisposing syndrome. Also called: Neoplastic Syndromes, Hereditary; Tumor predisposition; Hereditary neoplastic syndrome; Hereditary Cancer Syndrome. Identifiers: Orphanet 140162, MedGen C0027672, MeSH D009386, MONDO:0015356.

Submissions (2):

Ambry Genetics
Classification: Likely benign for Hereditary cancer-predisposing syndrome. Last evaluated: 2026-02-11. Review status: criteria provided, single submitter. Criteria: Ambry Variant Classification Scheme 2023. Collection method: clinical testing. Allele origin: germline.

Labcorp Genetics (formerly Invitae), Labcorp
Classification: Uncertain significance for Tuberous sclerosis 1. Last evaluated: 2025-11-05. Review status: criteria provided, single submitter. Criteria: Invitae Variant Classification Sherloc (09022015). Collection method: clinical testing. Allele origin: germline.
Comment: This sequence change falls in intron 14 of the TSC1 gene. It does not directly change the encoded amino acid sequence of the TSC1 protein. It affects a nucleotide within the consensus splice site. This variant is not present in population databases (gnomAD no frequency). This variant has not been reported in the literature in individuals affected with TSC1-related conditions. ClinVar contains an entry for this variant (Variation ID: 411264). Variants that disrupt the consensus splice site are a relatively common cause of aberrant splicing (PMID: 17576681, 9536098). Algorithms developed to predict the effect of sequence changes on RNA splicing suggest that this variant is not likely to affect RNA splicing. In summary, the available evidence is currently insufficient to determine the role of this variant in disease. Therefore, it has been classified as a Variant of Uncertain Significance.

Literature cited by the submitters: PubMed 17576681 (cited by Labcorp Genetics (formerly Invitae), Labcorp); PubMed 9536098 (cited by Labcorp Genetics (formerly Invitae), Labcorp).